The following is an entry in ClinVar:

NM_001099403.2(PRDM8):c.935G>A (p.Gly312Glu)

Genes: PRDM8 (PR/SET domain 8; plus strand), LOC129992744 (ATAC-STARR-seq lymphoblastoid silent region 15521; plus strand). Cytogenetic location: 4q21.21.
Variant type: single nucleotide variant.
Coding change: c.935G>A on transcript NM_001099403.2 (MANE Select); coding-DNA position 935, G replaced by A.
Protein change: p.Gly312Glu; replaces glycine 312 with glutamic acid.
Molecular consequence: missense variant.
Genome position (GRCh38, 1-based): chr4:80,202,397, G>A. VCF-style: chr4-80202397-G-A. GRCh37 (hg19) VCF-style: chr4-81123551-G-A.
Other names: c.935G>A, p.Gly312Glu (NM_020226.4); short protein forms G312E.
Identifiers: ClinVar variation 1485833 (VCV001485833.5), dbSNP rs201579839, ClinGen allele CA2982360.

ClinVar aggregate classification (germline): Uncertain significance (1 of 4 stars; one submission).

Conditions:
Early-onset Lafora body disease. Also called: Epilepsy, progressive myoclonic, 10. Identifiers: Orphanet 324290, MedGen C4225258, MONDO:0014717, OMIM 616640.

Allele frequency attached by ClinVar (database versions not stated): gnomAD 0.00001; TOPMed 0.00003; 1000 Genomes Project 30x 0.00016.

Submission:

Labcorp Genetics (formerly Invitae), Labcorp
Classification: Uncertain significance for Early-onset Lafora body disease. Last evaluated: 2021-09-24. Review status: criteria provided, single submitter. Criteria: Invitae Variant Classification Sherloc (09022015). Collection method: clinical testing. Allele origin: germline.
Comment: This sequence change replaces glycine with glutamic acid at codon 312 of the PRDM8 protein (p.Gly312Glu). The glycine residue is moderately conserved and there is a moderate physicochemical difference between glycine and glutamic acid. This variant is present in population databases (rs201579839, ExAC 0.1%). This variant has not been reported in the literature in individuals with PRDM8-related conditions. Algorithms developed to predict the effect of missense changes on protein structure and function (SIFT, PolyPhen-2, Align-GVGD) all suggest that this variant is likely to be tolerated, but these predictions have not been confirmed by published functional studies and their clinical significance is uncertain. In summary, the available evidence is currently insufficient to determine the role of this variant in disease. Therefore, it has been classified as a Variant of Uncertain Significance.